The following is an entry in ClinVar:

NM_000532.5(PCCB):c.836C>G (p.Pro279Arg)

Gene: PCCB (propionyl-CoA carboxylase subunit beta; plus strand). Cytogenetic location: 3q22.3.
Variant type: single nucleotide variant.
Coding change: c.836C>G on transcript NM_000532.5 (MANE Select); coding-DNA position 836, C replaced by G.
Protein change: p.Pro279Arg; replaces proline 279 with arginine.
Molecular consequence: missense variant.
Genome position (GRCh38, 1-based): chr3:136,298,024, C>G. VCF-style: chr3-136298024-C-G. GRCh37 (hg19) VCF-style: chr3-136016866-C-G.
Other names: c.896C>G, p.Pro299Arg (NM_001178014.2); short protein forms P299R, P279R.
Identifiers: ClinVar variation 1494175 (VCV001494175.6), dbSNP rs780837200, ClinGen allele CA354644761.

ClinVar aggregate classification (germline): Likely pathogenic (1 of 4 stars; one submission).

Conditions:
Propionic acidemia (PROP). Also called: GLYCINEMIA, KETOTIC; HYPERGLYCINEMIA WITH KETOACIDOSIS AND LEUKOPENIA; KETOTIC HYPERGLYCINEMIA. Identifiers: Orphanet 35, MedGen C0268579, MONDO:0011628, OMIM 606054, HP:0003571.

gnomAD v4.1: 1 of 1,614,126 alleles (0.000062%); highest among the groups gnomAD compares: South Asian, 0.0011%; no homozygotes.

Submission:

Labcorp Genetics (formerly Invitae), Labcorp
Classification: Likely pathogenic for Propionic acidemia. Last evaluated: 2021-10-05. Review status: criteria provided, single submitter. Criteria: Invitae Variant Classification Sherloc (09022015). Collection method: clinical testing. Allele origin: germline.
Comment: Advanced modeling of protein sequence and biophysical properties (such as structural, functional, and spatial information, amino acid conservation, physicochemical variation, residue mobility, and thermodynamic stability) performed at Invitae indicates that this missense variant is expected to disrupt PCCB protein function. This sequence change replaces proline with arginine at codon 279 of the PCCB protein (p.Pro279Arg). The proline residue is highly conserved and there is a moderate physicochemical difference between proline and arginine. This variant is not present in population databases (ExAC no frequency). This variant has not been reported in the literature in individuals affected with PCCB-related conditions. This variant disrupts the p.Pro279 amino acid residue in PCCB. Other variant(s) that disrupt this residue have been determined to be pathogenic (PMID: 31757659, 33587123; Invitae). This suggests that this residue is clinically significant, and that variants that disrupt this residue are likely to be disease-causing. In summary, the currently available evidence indicates that the variant is pathogenic, but additional data are needed to prove that conclusively. Therefore, this variant has been classified as Likely Pathogenic.

Literature cited by the submitters: PubMed 31757659; PubMed 33587123.